The following is an entry in ClinVar:

ClinVar aggregate classification (germline): Conflicting classifications of pathogenicity. Review status: criteria provided, conflicting classifications (1 of 4 stars). 3 submissions from 3 submitters: Uncertain significance (2); Benign (1). Last evaluated 2025-10-11.

Conditions:
Primary ciliary dyskinesia. Also called: Ciliary dyskinesia. Identifiers: Orphanet 244, MedGen C0008780, MONDO:0016575, HP:0012265.

Allele frequency attached by ClinVar (database versions not stated): gnomAD exomes below 0.00001; TOPMed below 0.00001; ExAC 0.00001; gnomAD 0.00001.
gnomAD v4.1: 4 of 1,601,124 alleles (0.00025%); highest among the groups gnomAD compares: African/African-American, 0.0027%; no homozygotes.

Submissions (3):

GeneDx
Classification: Uncertain significance. Last evaluated: 2025-10-11. Review status: criteria provided, single submitter. Criteria: GeneDx Variant Classification Process June 2021. Collection method: clinical testing. Allele origin: germline. Affected: yes.
Comment: Not observed at significant frequency in large population cohorts (gnomAD); In silico analysis supports that this missense variant has a deleterious effect on protein structure/function; Has not been previously published as pathogenic or benign to our knowledge

Ambry Genetics
Classification: Uncertain significance for Primary ciliary dyskinesia. Last evaluated: 2025-06-07. Review status: criteria provided, single submitter. Criteria: Ambry Variant Classification Scheme 2023. Collection method: clinical testing. Allele origin: germline.

Labcorp Genetics (formerly Invitae), Labcorp
Classification: Benign for Primary ciliary dyskinesia. Last evaluated: 2023-07-07. Review status: criteria provided, single submitter. Criteria: Invitae Variant Classification Sherloc (09022015). Collection method: clinical testing. Allele origin: germline.

NM_001277115.2(DNAH11):c.11039C>T (p.Thr3680Ile)

Gene: DNAH11 (dynein axonemal heavy chain 11; plus strand). Cytogenetic location: 7p15.3.
Variant type: single nucleotide variant.
Coding change: c.11039C>T on transcript NM_001277115.2 (MANE Select); coding-DNA position 11039, C replaced by T.
Protein change: p.Thr3680Ile; replaces threonine 3680 with isoleucine.
Molecular consequence: missense variant.
Genome position (GRCh38, 1-based): chr7:21,852,609, C>T. VCF-style: chr7-21852609-C-T. GRCh37 (hg19) VCF-style: chr7-21892227-C-T.
Other names: c.11060C>T, p.Thr3687Ile (NM_003777.3); c.11039C>T (NM_001277115.1); short protein forms T3680I, T3687I.
Identifiers: ClinVar variation 2726342 (VCV002726342.6), dbSNP rs759665328, ClinGen allele CA4182579.